The following is an entry in ClinVar:

NM_000059.4(BRCA2):c.1511C>G (p.Ser504Cys)

Gene: BRCA2 (BRCA2 DNA repair associated; plus strand). Cytogenetic location: 13q13.1.
Variant type: single nucleotide variant.
Coding change: c.1511C>G on transcript NM_000059.4 (MANE Select); coding-DNA position 1511, C replaced by G.
Protein change: p.Ser504Cys; replaces serine 504 with cysteine.
Molecular consequence: missense variant.
Genome position (GRCh38, 1-based): chr13:32,332,989, C>G. VCF-style: chr13-32332989-C-G. GRCh37 (hg19) VCF-style: chr13-32907126-C-G.
Other names: short protein forms S504C.
Identifiers: ClinVar variation 224459 (VCV000224459.15), dbSNP rs886037807, ClinGen allele CA10575909.

ClinVar aggregate classification (germline): Conflicting classifications of pathogenicity. Review status: criteria provided, conflicting classifications (1 of 4 stars). 7 submissions from 7 submitters: Uncertain significance (6); Likely benign (1). Last evaluated 2025-01-02.

Conditions:
Breast neoplasm. Also called: Neoplasm of breast; Breast tumor; Neoplasm of the breast; Breast Neoplasms. Identifiers: MedGen C1458155, MeSH D001943, MONDO:0021100, HP:0100013. Disease mechanism: gain of function.
Hereditary breast ovarian cancer syndrome. Also called: Hereditary breast and ovarian cancer; BRCA1- and BRCA2-Associated Hereditary Breast and Ovarian Cancer; Hereditary breast and ovarian cancer syndrome; Hereditary breast and ovarian cancer syndrome (HBOC); Breast and ovarian cancer; Hereditary breast and/or ovarian cancer syndrome. Identifiers: Orphanet 145, MedGen C0677776, MeSH D061325, MONDO:0003582. Disease mechanism: loss of function.
Hereditary cancer-predisposing syndrome. Also called: Tumor predisposition; Hereditary neoplastic syndrome; Neoplastic Syndromes, Hereditary; Hereditary Cancer Syndrome. Identifiers: Orphanet 140162, MedGen C0027672, MeSH D009386, MONDO:0015356.

Allele frequency attached by ClinVar (database versions not stated): TOPMed 0.00001.

Submissions (7):

Labcorp Genetics (formerly Invitae), Labcorp
Classification: Uncertain significance for Hereditary breast ovarian cancer syndrome. Last evaluated: 2025-01-02. Review status: criteria provided, single submitter. Criteria: Invitae Variant Classification Sherloc (09022015). Collection method: clinical testing. Allele origin: germline.
Comment: This sequence change replaces serine, which is neutral and polar, with cysteine, which is neutral and slightly polar, at codon 504 of the BRCA2 protein (p.Ser504Cys). This variant is not present in population databases (gnomAD no frequency). This missense change has been observed in individual(s) with personal or family history of breast and/or ovarian cancer (PMID: 27257965, 30702160, 31825140). ClinVar contains an entry for this variant (Variation ID: 224459). Invitae Evidence Modeling of protein sequence and biophysical properties (such as structural, functional, and spatial information, amino acid conservation, physicochemical variation, residue mobility, and thermodynamic stability) indicates that this missense variant is not expected to disrupt BRCA2 protein function with a negative predictive value of 95%. In summary, the available evidence is currently insufficient to determine the role of this variant in disease. Therefore, it has been classified as a Variant of Uncertain Significance.

Ambry Genetics
Classification: Uncertain significance for Hereditary cancer-predisposing syndrome. Last evaluated: 2024-05-21. Review status: criteria provided, single submitter. Criteria: Ambry Variant Classification Scheme 2023. Collection method: clinical testing. Allele origin: germline.
Comment: The p.S504C variant (also known as c.1511C>G), located in coding exon 9 of the BRCA2 gene, results from a C to G substitution at nucleotide position 1511. The serine at codon 504 is replaced by cysteine, an amino acid with dissimilar properties. This alteration was identified in 1/507 unselected Chinese breast cancer patients (Zhong X et al. PLoS One, 2016 Jun;11:e0156789). This amino acid position is not well conserved in available vertebrate species. In addition, this alteration is predicted to be tolerated by in silico analysis. Based on the available evidence, the clinical significance of this variant remains unclear.

University of Washington Department of Laboratory Medicine, University of Washington
Classification: Likely benign for Hereditary cancer-predisposing syndrome. Last evaluated: 2023-03-23. Review status: criteria provided, single submitter. Criteria: Dines et al. (Genet Med. 2020). Collection method: curation. Allele origin: germline.
Comment: Missense variant in a coldspot region where missense variants are very unlikely to be pathogenic (PMID:31911673).

BRCA2 exon 10 coldspot. Reclassification based on statistical prior probability.

Women's Health and Genetics/Laboratory Corporation of America, LabCorp
Classification: Uncertain significance. Last evaluated: 2020-11-25. Review status: criteria provided, single submitter. Criteria: LabCorp Variant Classification Summary - May 2015. Collection method: clinical testing. Allele origin: germline.
Comment: Variant summary: BRCA2 c.1511C>G (p.Ser504Cys) results in a non-conservative amino acid change in the encoded protein sequence. Three of five in-silico tools predict a damaging effect of the variant on protein function. The variant was absent in 230588 control chromosomes (gnomAD). The available data on variant occurrences in the general population are insufficient to allow any conclusion about variant significance. c.1511C>G has been reported in the literature in one individual affected with breast cancer (Zhong_2016). The report does not provide unequivocal conclusions about association of the variant with Hereditary Breast and Ovarian Cancer. To our knowledge, no experimental evidence demonstrating an impact on protein function has been reported. Three ClinVar submitters (evaluation after 2014) cite the variant as uncertain significance. Based on the evidence outlined above, the variant was classified as uncertain significance.

Quest Diagnostics Nichols Institute San Juan Capistrano
Classification: Uncertain significance. Last evaluated: 2019-04-25. Review status: criteria provided, single submitter. Criteria: Quest Diagnostics criteria. Collection method: clinical testing. Allele origin: germline.

Laboratory of Molecular Diagnosis of Cancer, West China Hospital, Sichuan University
Classification: Uncertain significance for Breast neoplasm. Last evaluated: 2015-11-01. Review status: criteria provided, single submitter. Criteria: ACMG Guidelines, 2015. Collection method: research. Allele origin: germline. Affected: yes. Observed: 1 variant allele.

GeneDx
Classification: Uncertain significance. Last evaluated: 2015-02-04. Review status: criteria provided, single submitter. Criteria: GeneDx Variant Classification (06012015). Collection method: clinical testing. Allele origin: germline. Affected: yes.
Comment: This variant is denoted BRCA2 c.1511C>G at the cDNA level, p.Ser504Cys (S504C) at the protein level, and results in the change of a Serine to a Cysteine (TCT>TGT). Using alternate nomenclature, this variant would be defined as BRCA2 1739C>G. This variant has not, to our knowledge, been published in the literature as pathogenic or benign. BRCA2 Ser504Cys was not observed in approximately 6,500 individuals of European and African American ancestry in the NHLBI Exome Sequencing Project, indicating it is not a common benign variant in these populations. Since Serine and Cysteine differ in polarity, charge, size or other properties, this is considered a non-conservative amino acid substitution. BRCA2 Ser504Cys occurs at a position that is conserved across species and is not located in a known functional domain (UniProt). In silico analyses are inconsistent regarding the effect this variant may have on protein structure and function. Based on currently available information, it is unclear whether BRCA2 Ser504Cys is pathogenic or benign. We consider it to be a variant of uncertain significance.

Literature cited by the submitters: PubMed 27257965 (cited by 5 submitters); PubMed 30702160 (cited by Labcorp Genetics (formerly Invitae), Labcorp and Women's Health and Genetics/Laboratory Corporation of America, LabCorp); PubMed 31825140 (cited by Labcorp Genetics (formerly Invitae), Labcorp and Women's Health and Genetics/Laboratory Corporation of America, LabCorp).